The following is an entry in ClinVar:

NM_001371395.1(USP53):c.209del (p.Gly70fs)

Gene: USP53 (ubiquitin specific peptidase 53; plus strand). Cytogenetic location: 4q26.
Variant type: Deletion.
Coding change: c.209del on transcript NM_001371395.1 (MANE Select); coding-DNA position 209, one base deleted (G; older notation c.209delG).
Protein change: p.Gly70fs; shifts the reading frame from glycine 70.
Molecular consequence: frameshift variant. On other transcripts: 5 prime UTR variant (6).
Genome position (GRCh38, 1-based): chr4:119,245,401, G deleted; the last of 3 consecutive G bases (chr4:119,245,399-119,245,401); deleting any one gives the same sequence. VCF-style (leftmost placement, unchanged base first): chr4-119245398-AG-A. GRCh37 (hg19) VCF-style: chr4-120166553-AG-A.
Other names: c.209del, p.Gly70fs (NM_001371396.1, NM_001371397.1, NM_001371398.1 and 6 more transcripts); c.-140del (NM_001389662.1, NM_001389663.1, NM_001389664.1 and 3 more transcripts); short protein forms G70fs.
Identifiers: ClinVar variation 4701410 (VCV004701410.1).

ClinVar aggregate classification (germline): Pathogenic (1 of 4 stars; one submission).

Submission:

Labcorp Genetics (formerly Invitae), Labcorp
Classification: Pathogenic. Last evaluated: 2025-12-20. Review status: criteria provided, single submitter. Criteria: Invitae Variant Classification Sherloc (09022015). Collection method: clinical testing. Allele origin: germline.
Comment: This sequence change creates a premature translational stop signal (p.Gly70Glufs*9) in the USP53 gene. It is expected to result in an absent or disrupted protein product. Loss-of-function variants in USP53 are known to be pathogenic (PMID: 32124521, 32759993). This variant is present in population databases (no rsID available, gnomAD 0.0009%). This variant has not been reported in the literature in individuals affected with USP53-related conditions. For these reasons, this variant has been classified as Pathogenic.

Literature cited by the submitters: PubMed 32124521; PubMed 32759993.